The following is an entry in ClinVar:

NM_153603.4(COG7):c.2270G>T (p.Arg757Leu)

Gene: COG7 (component of oligomeric golgi complex 7; minus strand). Cytogenetic location: 16p12.2.
Variant type: single nucleotide variant.
Coding change: c.2270G>T on transcript NM_153603.4 (MANE Select); coding-DNA position 2270, G replaced by T.
Protein change: p.Arg757Leu; replaces arginine 757 with leucine.
Molecular consequence: missense variant.
Genome position (GRCh38, 1-based): chr16:23,388,963, C>A on the plus strand (G>T on the coding strand, the complement: COG7 is on the minus strand). VCF-style: chr16-23388963-C-A. GRCh37 (hg19) VCF-style: chr16-23400284-C-A.
Other names: short protein forms R757L.
Identifiers: ClinVar variation 4807950 (VCV004807950.1).
Genomic context (GRCh38, chr16:23,388,963, plus strand): 5'-TCCGGTGTGTGGTGGGGTCAGTAATTCACACTCCGCATGGTGGCCACGGTGGTGGCCAGG[C>A]GACGGGGCAGGCCTTTGCTGACCTGTCTATAGTCCTCAGGCCTGGTCTTCAGTAGCGTCA-3'
Protein context (NP_705831.1, residues 747-767): YRQVSKGLPR[Arg757Leu]LATTVATMRS

ClinVar aggregate classification (germline): Uncertain significance (1 of 4 stars; one submission).

Conditions:
COG7 congenital disorder of glycosylation (CDG2E). Also called: CONGENITAL DISORDER OF GLYCOSYLATION, TYPE IIe; CDG IIe. Identifiers: Orphanet 79333, MedGen C2931010, MONDO:0012118, OMIM 608779.

gnomAD v4.1: 20 of 1,613,814 alleles (0.0012%); highest among the groups gnomAD compares: Non-Finnish European, 0.0015%; no homozygotes.

Submission:

Labcorp Genetics (formerly Invitae), Labcorp
Classification: Uncertain significance for COG7 congenital disorder of glycosylation. Last evaluated: 2025-11-17. Review status: criteria provided, single submitter. Criteria: Invitae Variant Classification Sherloc (09022015). Collection method: clinical testing. Allele origin: germline.
Comment: This sequence change replaces arginine, which is basic and polar, with leucine, which is neutral and non-polar, at codon 757 of the COG7 protein (p.Arg757Leu). This variant is present in population databases (rs368733148, gnomAD 0.007%). This variant has not been reported in the literature in individuals affected with COG7-related conditions. Invitae Evidence Modeling of protein sequence and biophysical properties (such as structural, functional, and spatial information, amino acid conservation, physicochemical variation, residue mobility, and thermodynamic stability) indicates that this missense variant is expected to disrupt COG7 protein function with a positive predictive value of 80%. In summary, the available evidence is currently insufficient to determine the role of this variant in disease. Therefore, it has been classified as a Variant of Uncertain Significance.